The following is an entry in ClinVar:

NM_006767.4(LZTR1):c.513G>T (p.Leu171Phe)

Gene: LZTR1 (leucine zipper like post translational regulator 1; plus strand). Cytogenetic location: 22q11.21.
Variant type: single nucleotide variant.
Coding change: c.513G>T on transcript NM_006767.4 (MANE Select); coding-DNA position 513, G replaced by T.
Protein change: p.Leu171Phe; replaces leucine 171 with phenylalanine.
Molecular consequence: missense variant.
Genome position (GRCh38, 1-based): chr22:20,988,792, G>T. VCF-style: chr22-20988792-G-T. GRCh37 (hg19) VCF-style: chr22-21343081-G-T.
Other names: short protein forms L171F.
Identifiers: ClinVar variation 3238301 (VCV003238301.1), dbSNP rs1178679215.

ClinVar aggregate classification (germline): Uncertain significance (1 of 4 stars; one submission).

Conditions:
Hereditary cancer-predisposing syndrome. Also called: Neoplastic Syndromes, Hereditary; Tumor predisposition; Hereditary neoplastic syndrome; Hereditary Cancer Syndrome. Identifiers: Orphanet 140162, MedGen C0027672, MeSH D009386, MONDO:0015356.
Cardiovascular phenotype. Identifiers: MedGen CN230736.

gnomAD v4.1: 1 of 1,613,684 alleles (0.000062%); highest among the groups gnomAD compares: Non-Finnish European, 0.000085%; no homozygotes.

Submission:

Ambry Genetics
Classification: Uncertain significance for Cardiovascular phenotype; Hereditary cancer-predisposing syndrome. Last evaluated: 2022-11-07. Review status: criteria provided, single submitter. Criteria: Ambry Variant Classification Scheme 2023. Collection method: clinical testing. Allele origin: germline.
Comment: The p.L171F variant (also known as c.513G>T), located in coding exon 6 of the LZTR1 gene, results from a G to T substitution at nucleotide position 513. The leucine at codon 171 is replaced by phenylalanine, an amino acid with highly similar properties. This amino acid position is conserved. In addition, the in silico prediction for this alteration is inconclusive. Since supporting evidence is limited at this time, the clinical significance of this alteration remains unclear.